The following is an entry in ClinVar:

ClinVar aggregate classification (germline): Likely pathogenic. Review status: criteria provided, multiple submitters, no conflicts (2 of 4 stars). 2 submissions from 2 submitters: Likely pathogenic (2). Last evaluated 2025-10-23.

Conditions:
DPAGT1-congenital disorder of glycosylation. Also called: DPAGT1-CDG; CONGENITAL DISORDER OF GLYCOSYLATION, TYPE Ij; CDG Ij. Identifiers: Orphanet 86309, MedGen C2931004, MONDO:0011964, OMIM 608093.
Congenital myasthenic syndrome 13 (CMS13). Also called: Myasthenic syndrome, congenital, with tubular aggregates 2; Myasthenic syndrome, congenital, 13, with tubular aggregates. Identifiers: Orphanet 353327, Orphanet 590, MedGen C3553645, MONDO:0013883, OMIM 614750.

Submissions (2):

Labcorp Genetics (formerly Invitae), Labcorp
Classification: Likely pathogenic for Congenital myasthenic syndrome 13; DPAGT1-congenital disorder of glycosylation. Last evaluated: 2025-10-23. Review status: criteria provided, single submitter. Criteria: Invitae Variant Classification Sherloc (09022015). Collection method: clinical testing. Allele origin: germline.
Comment: This sequence change affects a donor splice site in intron 4 of the DPAGT1 gene. It is expected to disrupt RNA splicing. Variants that disrupt the donor or acceptor splice site typically lead to a loss of protein function (PMID: 16199547), and loss-of-function variants in DPAGT1 are known to be pathogenic (PMID: 22742743). This variant is not present in population databases (gnomAD no frequency). This variant has not been reported in the literature in individuals affected with DPAGT1-related conditions. ClinVar contains an entry for this variant (Variation ID: 1685304). Algorithms developed to predict the effect of sequence changes on RNA splicing suggest that this variant may disrupt the consensus splice site. In summary, the currently available evidence indicates that the variant is pathogenic, but additional data are needed to prove that conclusively. Therefore, this variant has been classified as Likely Pathogenic.

Mendelics
Classification: Likely pathogenic for DPAGT1-congenital disorder of glycosylation. Last evaluated: 2022-05-04. Review status: criteria provided, single submitter. Criteria: Mendelics Assertion Criteria 2019. Collection method: clinical testing. Allele origin: germline.

Literature cited by the submitters: PubMed 16199547 (cited by Labcorp Genetics (formerly Invitae), Labcorp); PubMed 22742743 (cited by Labcorp Genetics (formerly Invitae), Labcorp).

NM_001382.4(DPAGT1):c.643+1G>A

Gene: DPAGT1 (dolichyl-phosphate N-acetylglucosaminephosphotransferase 1; minus strand). Cytogenetic location: 11q23.3.
Variant type: single nucleotide variant.
Coding change: c.643+1G>A on transcript NM_001382.4 (MANE Select); the canonical splice donor site of the intron after coding-DNA position 643, G replaced by A.
Molecular consequence: splice donor variant.
Genome position (GRCh38, 1-based): chr11:119,100,261, C>T on the plus strand (G>A on the coding strand, the complement: DPAGT1 is on the minus strand). VCF-style: chr11-119100261-C-T. GRCh37 (hg19) VCF-style: chr11-118970971-C-T.
Identifiers: ClinVar variation 1685304 (VCV001685304.2), dbSNP rs2134910617, ClinGen allele CA382913625.